The following is an entry in ClinVar:

ClinVar aggregate classification (germline): Uncertain significance (1 of 4 stars; one submission).

Conditions:
Dilated cardiomyopathy 1HH (CMD1HH). Identifiers: Orphanet 154, MedGen C3151293, MONDO:0013479, OMIM 613881.
Myofibrillar myopathy 6. Identifiers: Orphanet 199340, MedGen C2751831, MONDO:0013061, OMIM 612954.

Submission:

Labcorp Genetics (formerly Invitae), Labcorp
Classification: Uncertain significance for Dilated cardiomyopathy 1HH; Myofibrillar myopathy 6. Last evaluated: 2023-12-19. Review status: criteria provided, single submitter. Criteria: Invitae Variant Classification Sherloc (09022015). Collection method: clinical testing. Allele origin: germline.
Comment: This sequence change replaces aspartic acid, which is acidic and polar, with histidine, which is basic and polar, at codon 31 of the BAG3 protein (p.Asp31His). This variant is not present in population databases (gnomAD no frequency). This variant has not been reported in the literature in individuals affected with BAG3-related conditions. An algorithm developed to predict the effect of missense changes on protein structure and function (PolyPhen-2) suggests that this variant is likely to be disruptive. In summary, the available evidence is currently insufficient to determine the role of this variant in disease. Therefore, it has been classified as a Variant of Uncertain Significance.

NM_004281.4(BAG3):c.91G>C (p.Asp31His)

Gene: BAG3 (BAG cochaperone 3; plus strand). Cytogenetic location: 10q26.11.
Variant type: single nucleotide variant.
Coding change: c.91G>C on transcript NM_004281.4 (MANE Select); coding-DNA position 91, G replaced by C.
Protein change: p.Asp31His; replaces aspartic acid 31 with histidine.
Molecular consequence: missense variant.
Genome position (GRCh38, 1-based): chr10:119,651,766, G>C. VCF-style: chr10-119651766-G-C. GRCh37 (hg19) VCF-style: chr10-121411278-G-C.
Other names: short protein forms D31H.
Identifiers: ClinVar variation 2945148 (VCV002945148.3), dbSNP rs2493979791, ClinGen allele CA378294156.